The following is an entry in ClinVar:

ClinVar aggregate classification (germline): Benign (1 of 4 stars; one submission).

Allele frequency attached by ClinVar (database versions not stated): 1000 Genomes Project 30x 0.27686; 1000 Genomes Project 0.28474; TOPMed 0.32030; gnomAD 0.33811 and 0.34366.

Submission:

GeneDx
Classification: Benign. Last evaluated: 2018-06-15. Review status: criteria provided, single submitter. Criteria: GeneDx Variant Classification (06012015). Collection method: clinical testing. Allele origin: germline. Affected: yes.
Comment: This variant is considered likely benign or benign based on one or more of the following criteria: it is a conservative change, it occurs at a poorly conserved position in the protein, it is predicted to be benign by multiple in silico algorithms, and/or has population frequency not consistent with disease.

NM_020297.4(ABCC9):c.1803-188_1803-177del

Gene: ABCC9 (ATP binding cassette subfamily C member 9; minus strand). Cytogenetic location: 12p12.1.
Variant type: Deletion.
Coding change: c.1803-188_1803-177del on transcript NM_020297.4 (MANE Select); 188 bases into the intron before coding-DNA position 1803 through 177 bases into the intron before coding-DNA position 1803, 12 bases deleted (AACCCCTCTGTC).
Molecular consequence: intron variant.
Genome position (GRCh38, 1-based): chr12:21,888,111-21,888,122, GACAGAGGGGTT deleted on the plus strand (AACCCCTCTGTC on the coding strand, the reverse complement: ABCC9 is on the minus strand). VCF-style (leftmost placement, unchanged base first): chr12-21888110-GGACAGAGGGGTT-G. GRCh37 (hg19) VCF-style: chr12-22041044-GGACAGAGGGGTT-G.
Other names: c.939-188_939-177del (NM_001377274.1); c.1803-188_1803-177del (NM_005691.4, NM_001377273.1).
Identifiers: ClinVar variation 673825 (VCV000673825.1), dbSNP rs6144644, ClinGen allele CA233623658.